The following is an entry in ClinVar:

NM_182931.3(KMT2E):c.4883del (p.Pro1628fs)

Gene: KMT2E (lysine methyltransferase 2E (inactive); plus strand). Cytogenetic location: 7q22.3.
Variant type: Deletion.
Coding change: c.4883del on transcript NM_182931.3 (MANE Select); coding-DNA position 4883, one base deleted (C; older notation c.4883delC).
Protein change: p.Pro1628fs; shifts the reading frame from proline 1628.
Molecular consequence: frameshift variant.
Genome position (GRCh38, 1-based): chr7:105,112,639, C deleted; the last of 6 consecutive C bases (chr7:105,112,634-105,112,639); deleting any one gives the same sequence. VCF-style (leftmost placement, unchanged base first): chr7-105112633-TC-T. GRCh37 (hg19) VCF-style: chr7-104753080-TC-T.
Other names: c.4883del, p.Pro1628fs (NM_018682.4); short protein forms P1628fs.
Identifiers: ClinVar variation 1327731 (VCV001327731.4), dbSNP rs1295432172, ClinGen allele CA2573052781.

ClinVar aggregate classification (germline): Likely pathogenic. Review status: criteria provided, multiple submitters, no conflicts (2 of 4 stars). 2 submissions from 2 submitters: Likely pathogenic (2). Last evaluated 2024-07-16.

Conditions:
O'Donnell-Luria-Rodan syndrome (ODLURO). Also called: KMT2E-Related Neurodevelopmental Disorder. Identifiers: MedGen C5193138, MONDO:0032793, OMIM 618512.

Submissions (2):

3billion
Classification: Likely pathogenic for O'Donnell-Luria-Rodan syndrome. Last evaluated: 2024-07-16. Review status: criteria provided, single submitter. Criteria: ACMG Guidelines, 2015. Collection method: clinical testing. Allele origin: germline. Affected: yes.
Comment: The variant is not observed in the gnomAD v4.0.0 dataset. Predicted Consequence/Location: Frameshift: predicted to result in a loss or disruption of normal protein function through protein truncation. The predicted truncated protein may be shortened by more than 10%. The variant has been reported to be associated with KMT2E-related disorder (ClinVar ID: VCV001327731). Therefore, this variant is classified as Likely pathogenic according to the recommendation of ACMG/AMP guideline.

GeneDx
Classification: Likely pathogenic. Last evaluated: 2022-09-12. Review status: criteria provided, single submitter. Criteria: GeneDx Variant Classification Process June 2021. Collection method: clinical testing. Allele origin: germline. Affected: yes.
Comment: Frameshift variant predicted to result in protein truncation, as the last 231 amino acids are replaced with 24 different amino acids, and other loss-of-function variants have been reported downstream in the Human Gene Mutation Database (HGMD); Not observed at significant frequency in large population cohorts (gnomAD); Has not been previously published as pathogenic or benign to our knowledge; This variant is associated with the following publications: (PMID: 24077912, 27535533)